The following is an entry in ClinVar:

NM_001134831.2(AHI1):c.2565G>A (p.Gly855=)

Gene: AHI1 (Abelson helper integration site 1; minus strand). Cytogenetic location: 6q23.3.
Variant type: single nucleotide variant.
Coding change: c.2565G>A on transcript NM_001134831.2 (MANE Select); coding-DNA position 2565, G replaced by A.
Protein change: p.Gly855=; no amino-acid change (glycine 855 retained).
Molecular consequence: synonymous variant.
Genome position (GRCh38, 1-based): chr6:135,428,687, C>T on the plus strand (G>A on the coding strand, the complement: AHI1 is on the minus strand). VCF-style: chr6-135428687-C-T. GRCh37 (hg19) VCF-style: chr6-135749825-C-T.
Other names: c.2565G>A, p.Gly855= (NM_001134830.2, NM_001134832.2, NM_001350503.2 and 2 more transcripts); c.2565G>A (NM_017651.4).
Identifiers: ClinVar variation 2151445 (VCV002151445.6), dbSNP rs778748522, ClinGen allele CA4012342.

ClinVar aggregate classification (germline): Likely benign. Review status: criteria provided, multiple submitters, no conflicts (2 of 4 stars). 3 submissions from 3 submitters: Likely benign (3). Last evaluated 2026-04-24.

Conditions:
AHI1-related disorder. Also called: AHI1-related condition.
Joubert syndrome. Also called: JOUBERT-BOLTSHAUSER SYNDROME; Familial aplasia of the vermis. Identifiers: Orphanet 475, MedGen C5979921, MONDO:0018772.

Allele frequency attached by ClinVar (database versions not stated): gnomAD exomes 0.00001; ExAC 0.00003.
gnomAD v4.1: 18 of 1,609,008 alleles (0.0011%); highest among the groups gnomAD compares: South Asian, 0.017%; 1 homozygote.

Submissions (3):

PreventionGenetics, part of Exact Sciences
Classification: Likely benign for AHI1-related condition. Last evaluated: 2026-04-24. Review status: criteria provided, single submitter. Criteria: ACMG Guidelines, 2015. Collection method: clinical testing. Allele origin: germline.
Comment: This variant is classified as likely benign based on ACMG/AMP sequence variant interpretation guidelines (Richards et al. 2015 PMID: 25741868, with internal and published modifications).

Labcorp Genetics (formerly Invitae), Labcorp
Classification: Likely benign for Joubert syndrome. Last evaluated: 2023-08-29. Review status: criteria provided, single submitter. Criteria: Invitae Variant Classification Sherloc (09022015). Collection method: clinical testing. Allele origin: germline.

Blueprint Genetics
Classification: Likely benign. Last evaluated: 2022-01-31. Review status: criteria provided, single submitter. Criteria: ACMG Guidelines, 2015. Collection method: clinical testing. Allele origin: germline.